The following is an entry in ClinVar:

NM_002087.4(GRN):c.608C>G (p.Ser203Cys)

Gene: GRN (granulin precursor; plus strand). Cytogenetic location: 17q21.31.
Variant type: single nucleotide variant.
Coding change: c.608C>G on transcript NM_002087.4 (MANE Select); coding-DNA position 608, C replaced by G.
Protein change: p.Ser203Cys; replaces serine 203 with cysteine.
Molecular consequence: missense variant.
Genome position (GRCh38, 1-based): chr17:44,350,700, C>G. VCF-style: chr17-44350700-C-G. GRCh37 (hg19) VCF-style: chr17-42428068-C-G.
Other names: short protein forms S203C.
Identifiers: ClinVar variation 4839555 (VCV004839555.1).

ClinVar aggregate classification (germline): Uncertain significance (1 of 4 stars; one submission).

Conditions:
Inborn genetic diseases. Identifiers: MedGen C0950123, MeSH D030342.

gnomAD v4.1: 1 of 1,613,756 alleles (0.000062%); highest among the groups gnomAD compares: African/African-American, 0.0013%; no homozygotes.

Submission:

Ambry Genetics
Classification: Uncertain significance for Inborn genetic diseases. Last evaluated: 2026-01-21. Review status: criteria provided, single submitter. Criteria: Ambry Variant Classification Scheme 2023. Collection method: clinical testing. Allele origin: germline.
Comment: The c.608C>G (p.S203C) alteration is located in exon 7 (coding exon 6) of the GRN gene. This alteration results from a C to G substitution at nucleotide position 608, causing the serine (S) at amino acid position 203 to be replaced by a cysteine (C). Based on data from gnomAD, the G allele has an overall frequency of 0.003% (1/31378) total alleles studied. The highest observed frequency was 0.012% (1/8694) of African alleles. Based on insufficient or conflicting evidence, the clinical significance of this alteration remains unclear.